The following is an entry in ClinVar:

NM_000122.2(ERCC3):c.460C>T (p.Gln154Ter)

Gene: ERCC3 (ERCC excision repair 3, TFIIH core complex helicase subunit; minus strand). Cytogenetic location: 2q14.3.
Variant type: single nucleotide variant.
Coding change: c.460C>T on transcript NM_000122.2 (MANE Select); coding-DNA position 460, C replaced by T.
Protein change: p.Gln154Ter; replaces glutamine 154 with a stop codon.
Molecular consequence: nonsense.
Genome position (GRCh38, 1-based): chr2:127,292,621, G>A on the plus strand (C>T on the coding strand, the complement: ERCC3 is on the minus strand). VCF-style: chr2-127292621-G-A. GRCh37 (hg19) VCF-style: chr2-128050197-G-A.
Other names: c.268C>T, p.Gln90Ter (NM_001303416.2, NM_001303418.2); short protein forms Q154*, Q90*.
Identifiers: ClinVar variation 801749 (VCV000801749.7), dbSNP rs1404293670, ClinGen allele CA348391475.

ClinVar aggregate classification (germline): Pathogenic/Likely pathogenic. Review status: criteria provided, multiple submitters, no conflicts (2 of 4 stars). 3 submissions from 3 submitters: Pathogenic (2); Likely pathogenic (1). Last evaluated 2024-08-15.

Conditions:
ERCC3-related disorder. Also called: ERCC3-related condition.
Xeroderma pigmentosum group B. Also called: XP, GROUP B; XPB/CS; XERODERMA PIGMENTOSUM B/COCKAYNE SYNDROME; ERCC3-Related Xeroderma Pigmentosum. Identifiers: MedGen C0268136, MONDO:0012531, OMIM 610651.

Submissions (3):

Blueprint Genetics
Classification: Likely pathogenic for ERCC3-related disorders. Last evaluated: 2024-08-15. Review status: criteria provided, single submitter. Criteria: ACMG Guidelines, 2015. Collection method: clinical testing. Allele origin: germline. Affected: yes. Observed: 3 variant alleles.

Labcorp Genetics (formerly Invitae), Labcorp
Classification: Pathogenic. Last evaluated: 2022-08-09. Review status: criteria provided, single submitter. Criteria: Invitae Variant Classification Sherloc (09022015). Collection method: clinical testing. Allele origin: germline.
Comment: ClinVar contains an entry for this variant (Variation ID: 801749). This variant has not been reported in the literature in individuals affected with ERCC3-related conditions. This variant is present in population databases (no rsID available, gnomAD 0.0009%). This sequence change creates a premature translational stop signal (p.Gln154*) in the ERCC3 gene. It is expected to result in an absent or disrupted protein product. Loss-of-function variants in ERCC3 are known to be pathogenic (PMID: 16947863). Algorithms developed to predict the effect of sequence changes on RNA splicing suggest that this variant may disrupt the consensus splice site. For these reasons, this variant has been classified as Pathogenic.

Mendelics
Classification: Pathogenic for Xeroderma pigmentosum group B. Last evaluated: 2019-05-28. Review status: criteria provided, single submitter. Criteria: Mendelics Assertion Criteria 2017. Collection method: clinical testing. Allele origin: unknown.

Literature cited by the submitters: PubMed 16947863 (cited by Labcorp Genetics (formerly Invitae), Labcorp).